The following is an entry in ClinVar:

NM_017654.4(SAMD9):c.591C>G (p.Phe197Leu)

Gene: SAMD9 (sterile alpha motif domain containing 9; minus strand). Cytogenetic location: 7q21.2.
Variant type: single nucleotide variant.
Coding change: c.591C>G on transcript NM_017654.4 (MANE Select); coding-DNA position 591, C replaced by G.
Protein change: p.Phe197Leu; replaces phenylalanine 197 with leucine.
Molecular consequence: missense variant.
Genome position (GRCh38, 1-based): chr7:93,105,507, G>C on the plus strand (C>G on the coding strand, the complement: SAMD9 is on the minus strand). VCF-style: chr7-93105507-G-C. GRCh37 (hg19) VCF-style: chr7-92734820-G-C.
Other names: c.591C>G, p.Phe197Leu (NM_001193307.2); short protein forms F197L.
Identifiers: ClinVar variation 5028772 (VCV005028772.1).

ClinVar aggregate classification (germline): Uncertain significance (1 of 4 stars; one submission).

Conditions:
Inborn genetic diseases. Identifiers: MedGen C0950123, MeSH D030342.

Submission:

Ambry Genetics
Classification: Uncertain significance for Inborn genetic diseases. Last evaluated: 2026-07-26. Review status: criteria provided, single submitter. Criteria: Ambry Variant Classification Scheme 2023. Collection method: clinical testing. Allele origin: germline.
Comment: The p.F197L variant (also known as c.591C>G), located in coding exon 1 of the SAMD9 gene, results from a C to G substitution at nucleotide position 591. The phenylalanine at codon 197 is replaced by leucine, an amino acid with highly similar properties. This amino acid position is conserved. In addition, this alteration is predicted to be tolerated by in silico analysis. Based on the available evidence, the clinical significance of this variant remains unclear.